The following is an entry in ClinVar:

NM_002187.3(IL12B):c.536G>C (p.Arg179Thr)

Gene: IL12B (interleukin 12B; minus strand). Cytogenetic location: 5q33.3.
Variant type: single nucleotide variant.
Coding change: c.536G>C on transcript NM_002187.3 (MANE Select); coding-DNA position 536, G replaced by C.
Protein change: p.Arg179Thr; replaces arginine 179 with threonine.
Molecular consequence: missense variant.
Genome position (GRCh38, 1-based): chr5:159,320,467, C>G on the plus strand (G>C on the coding strand, the complement: IL12B is on the minus strand). VCF-style: chr5-159320467-C-G. GRCh37 (hg19) VCF-style: chr5-158747475-C-G.
Other names: short protein forms R179T.
Identifiers: ClinVar variation 352575 (VCV000352575.11), dbSNP rs375159171, ClinGen allele CA3538766.

ClinVar aggregate classification (germline): Uncertain significance. Review status: criteria provided, multiple submitters, no conflicts (2 of 4 stars). 3 submissions from 3 submitters: Uncertain significance (3). Last evaluated 2024-10-21.

Conditions:
Inborn genetic diseases. Identifiers: MedGen C0950123, MeSH D030342.
Mendelian susceptibility to mycobacterial diseases due to complete IL12B deficiency. Also called: IL12B DEFICIENCY; Immunodeficiency 29. Identifiers: Orphanet 319558, MedGen C4013948, MONDO:0013954, OMIM 614890.

Allele frequency attached by ClinVar (database versions not stated): gnomAD 0.00003 and 0.00005; TOPMed 0.00006; ESP Exome Variant Server 0.00008; ExAC 0.00012; gnomAD exomes 0.00013 and 0.00018.
gnomAD v4.1: 262 of 1,614,086 alleles (0.016%); highest among the groups gnomAD compares: South Asian, 0.088%; no homozygotes.

Submissions (3):

Labcorp Genetics (formerly Invitae), Labcorp
Classification: Uncertain significance for Mendelian susceptibility to mycobacterial diseases due to complete IL12B deficiency. Last evaluated: 2024-10-21. Review status: criteria provided, single submitter. Criteria: Invitae Variant Classification Sherloc (09022015). Collection method: clinical testing. Allele origin: germline.
Comment: This sequence change replaces arginine, which is basic and polar, with threonine, which is neutral and polar, at codon 179 of the IL12B protein (p.Arg179Thr). This variant is present in population databases (rs375159171, gnomAD 0.1%). This variant has not been reported in the literature in individuals affected with IL12B-related conditions. ClinVar contains an entry for this variant (Variation ID: 352575). An algorithm developed to predict the effect of missense changes on protein structure and function (PolyPhen-2) suggests that this variant¬†is likely to be tolerated. In summary, the available evidence is currently insufficient to determine the role of this variant in disease. Therefore, it has been classified as a Variant of Uncertain Significance.

Ambry Genetics
Classification: Uncertain significance for Inborn genetic diseases. Last evaluated: 2023-06-29. Review status: criteria provided, single submitter. Criteria: Ambry Variant Classification Scheme 2023. Collection method: clinical testing. Allele origin: germline.

Illumina Laboratory Services, Illumina
Classification: Uncertain significance for Mendelian susceptibility to mycobacterial diseases due to complete IL12B deficiency. Last evaluated: 2018-01-13. Review status: criteria provided, single submitter. Criteria: ICSL Variant Classification Criteria 13 December 2019. Collection method: clinical testing. Allele origin: germline.